The following is an entry in ClinVar:

ClinVar aggregate classification (germline): Uncertain significance (1 of 4 stars; one submission).

Allele frequency attached by ClinVar (database versions not stated): TOPMed below 0.00001.

Submission:

GeneDx
Classification: Uncertain significance. Last evaluated: 2019-05-24. Review status: criteria provided, single submitter. Criteria: GeneDx Variant Classification Process June 2021. Collection method: clinical testing. Allele origin: germline. Affected: yes.
Comment: Not observed in large population cohorts (Lek et al., 2016); In silico analysis, which includes protein predictors and evolutionary conservation, supports a deleterious effect; Has not been previously published as pathogenic or benign to our knowledge

NM_052867.4(NALCN):c.3437T>C (p.Ile1146Thr)

Gene: NALCN (sodium leak channel, non-selective; minus strand). Cytogenetic location: 13q32.3.
Variant type: single nucleotide variant.
Coding change: c.3437T>C on transcript NM_052867.4 (MANE Select); coding-DNA position 3437, T replaced by C.
Protein change: p.Ile1146Thr; replaces isoleucine 1146 with threonine.
Molecular consequence: missense variant.
Genome position (GRCh38, 1-based): chr13:101,089,715, A>G on the plus strand (T>C on the coding strand, the complement: NALCN is on the minus strand). VCF-style: chr13-101089715-A-G. GRCh37 (hg19) VCF-style: chr13-101742066-A-G.
Other names: c.3524T>C, p.Ile1175Thr (NM_001350748.2); c.3437T>C, p.Ile1146Thr (NM_001350749.2); c.3350T>C, p.Ile1117Thr (NM_001350750.2, NM_001350751.2); short protein forms I1117T, I1146T, I1175T.
Identifiers: ClinVar variation 1306026 (VCV001306026.2), dbSNP rs2034121512, ClinGen allele CA388652658.